The following is an entry in ClinVar:

NM_001005498.4(RHBDF2):c.1346G>A (p.Arg449Gln)

Gene: RHBDF2 (rhomboid 5 homolog 2; minus strand). Cytogenetic location: 17q25.1.
Variant type: single nucleotide variant.
Coding change: c.1346G>A on transcript NM_001005498.4 (MANE Select); coding-DNA position 1346, G replaced by A.
Protein change: p.Arg449Gln; replaces arginine 449 with glutamine.
Molecular consequence: missense variant. On other transcripts: non-coding transcript variant (3).
Genome position (GRCh38, 1-based): chr17:76,474,491, C>T on the plus strand (G>A on the coding strand, the complement: RHBDF2 is on the minus strand). VCF-style: chr17-76474491-C-T. GRCh37 (hg19) VCF-style: chr17-74470573-C-T.
Other names: c.1346G>A, p.Arg449Gln (NM_001376228.1, NM_001376229.1, NM_001376230.1); c.1433G>A, p.Arg478Gln (NM_024599.5); short protein forms R449Q, R478Q.
Identifiers: ClinVar variation 2678354 (VCV002678354.25), dbSNP rs763844221, ClinGen allele CA8787025.

ClinVar aggregate classification (germline): Conflicting classifications of pathogenicity. Review status: criteria provided, conflicting classifications (1 of 4 stars). 3 submissions from 3 submitters: Uncertain significance (2); Likely benign (1). Last evaluated 2025-09-10.

Conditions:
Palmoplantar keratoderma-esophageal carcinoma syndrome (TOC). Also called: KERATOSIS PALMARIS ET PLANTARIS WITH ESOPHAGEAL CANCER; PALMOPLANTAR KERATODERMA WITH ESOPHAGEAL CANCER; Tylosis with Esophageal Cancer. Identifiers: Orphanet 2198, MedGen C1835664, MONDO:0007856, OMIM 148500.

Allele frequency attached by ClinVar (database versions not stated): gnomAD exomes 0.00001; ExAC 0.00002; TOPMed 0.00003; gnomAD 0.00005.
gnomAD v4.1: 22 of 1,614,062 alleles (0.0014%); highest among the groups gnomAD compares: African/African-American, 0.0053%; no homozygotes.

Submissions (3):

Labcorp Genetics (formerly Invitae), Labcorp
Classification: Uncertain significance. Last evaluated: 2025-09-10. Review status: criteria provided, single submitter. Criteria: Invitae Variant Classification Sherloc (09022015). Collection method: clinical testing. Allele origin: germline.
Comment: This sequence change replaces arginine, which is basic and polar, with glutamine, which is neutral and polar, at codon 478 of the RHBDF2 protein (p.Arg478Gln). This variant is present in population databases (rs763844221, gnomAD 0.004%). This variant has not been reported in the literature in individuals affected with RHBDF2-related conditions. ClinVar contains an entry for this variant (Variation ID: 2678354). An algorithm developed to predict the effect of missense changes on protein structure and function (PolyPhen-2) suggests that this variant is likely to be disruptive. In summary, the available evidence is currently insufficient to determine the role of this variant in disease. Therefore, it has been classified as a Variant of Uncertain Significance.

CeGaT Center for Human Genetics Tuebingen
Classification: Likely benign. Last evaluated: 2023-12-01. Review status: criteria provided, single submitter. Criteria: CeGaT Center For Human Genetics Tuebingen Variant Classification Criteria Version 2. Collection method: clinical testing. Allele origin: germline. Affected: yes. Observed: 1 variant allele.
Comment: RHBDF2: BS1

Baylor Genetics
Classification: Uncertain significance for Palmoplantar keratoderma-esophageal carcinoma syndrome. Last evaluated: 2023-08-08. Review status: criteria provided, single submitter. Criteria: ACMG Guidelines, 2015. Collection method: clinical testing. Allele origin: unknown.